The following is an entry in ClinVar:

NM_016277.5(RAB23):c.664_667del (p.Gln222fs)

Gene: RAB23 (RAB23, member RAS oncogene family; minus strand). Cytogenetic location: 6p12.1.
Variant type: Microsatellite.
Coding change: c.664_667del on transcript NM_016277.5 (MANE Select); coding-DNA positions 664 to 667, 4 bases deleted (CAAA; older notation c.664_667delCAAA).
Protein change: p.Gln222fs; shifts the reading frame from glutamine 222.
Molecular consequence: frameshift variant. On other transcripts: non-coding transcript variant (1).
Genome position (GRCh38, 1-based): chr6:57,190,508-57,190,511, TTTG deleted on the plus strand (CAAA on the coding strand, the reverse complement: RAB23 is on the minus strand); deleting any 4 consecutive bases within chr6:57,190,508-57,190,517 gives the same sequence; the c. name uses the placement nearest the transcript's 3' end. VCF-style (leftmost placement, unchanged base first): chr6-57190507-CTTTG-C. GRCh37 (hg19) VCF-style: chr6-57055305-CTTTG-C.
Other names: c.664_667delCAAA (NM_183227.2); c.664_667del, p.Gln222fs (NM_001278666.2, NM_001278667.2, NM_001278668.2 and 1 more transcripts); short protein forms Q222fs.
Identifiers: ClinVar variation 3892242 (VCV003892242.2).

ClinVar aggregate classification (germline): Uncertain significance. Review status: criteria provided, multiple submitters, no conflicts (2 of 4 stars). 2 submissions from 2 submitters: Uncertain significance (2). Last evaluated 2026-06-22.

Conditions:
RAB23-related Carpenter syndrome. Also called: ACPS II; Carpenter syndrome 1. Identifiers: Orphanet 65759, MedGen C4551510, MONDO:0008710, OMIM 201000.
RAB23-related disorder. Also called: RAB23-related condition.

Submissions (2):

PreventionGenetics, part of Exact Sciences
Classification: Uncertain significance for RAB23-related condition. Last evaluated: 2026-06-22. Review status: criteria provided, single submitter. Criteria: ACMG Guidelines, 2015. Collection method: clinical testing. Allele origin: germline.
Comment: The RAB23 c.664_667delCAAA variant is predicted to result in a frameshift and premature protein termination (p.Gln222Glyfs*24). To our knowledge, this variant has not been reported in the literature. This variant is located in the terminal exon of RAB23 and is not expected to cause nonsense mediated decay of the transcript. No truncating variants in the downstream region relative to this variant have been reported. This variant is reported in 0.00088% of alleles in individuals of European (Non-Finnish) descent in gnomAD. At this time, the clinical significance of this variant is uncertain due to the absence of conclusive functional and genetic evidence.

Department of Pathology and Laboratory Medicine, Sinai Health System
Classification: Uncertain significance for RAB23-related Carpenter syndrome. Last evaluated: 2022-08-02. Review status: criteria provided, single submitter. Criteria: ACMG Guidelines, 2015. Collection method: research. Allele origin: germline.